The following is an entry in ClinVar:

NM_032776.3(JMJD1C):c.2236A>G (p.Arg746Gly)

Gene: JMJD1C (jumonji domain containing 1C; minus strand). Cytogenetic location: 10q21.3.
Variant type: single nucleotide variant.
Coding change: c.2236A>G on transcript NM_032776.3 (MANE Select); coding-DNA position 2236, A replaced by G.
Protein change: p.Arg746Gly; replaces arginine 746 with glycine.
Molecular consequence: missense variant. On other transcripts: non-coding transcript variant (1).
Genome position (GRCh38, 1-based): chr10:63,213,931, T>C on the plus strand (A>G on the coding strand, the complement: JMJD1C is on the minus strand). VCF-style: chr10-63213931-T-C. GRCh37 (hg19) VCF-style: chr10-64973691-T-C.
Other names: c.1690A>G, p.Arg564Gly (NM_001282948.2, NM_001318154.2); c.1372A>G, p.Arg458Gly (NM_001318153.2); c.2122A>G, p.Arg708Gly (NM_001322252.2); c.1579A>G, p.Arg527Gly (NM_001322254.2, NM_001322258.2); short protein forms R527G, R564G, R746G, R458G, R708G.
Identifiers: ClinVar variation 835711 (VCV000835711.9), dbSNP rs952697445, ClinGen allele CA208376999.
Genomic context (GRCh38, chr10:63,213,931, plus strand): 5'-CTAGTAAATGGGGTGCAGGAGTTAAGGCAGGATGATGGGTACCTGGATTTAAACAGGTTC[T>C]ATGAGATGAGGAGTGAAGAGGAAAAGGATGCTGGCTTAGGAAAGGTGAAATATGATTAGC-3'
Protein context (NP_116165.1, residues 736-756): HPFPLHSSSH[Arg746Gly]TCLNPGTHHP

ClinVar aggregate classification (germline): Uncertain significance (1 of 4 stars; one submission).

Conditions:
Early Myoclonic Encephalopathy. Identifiers: MedGen C0270855.

Allele frequency attached by ClinVar (database versions not stated): gnomAD exomes 0.00001.
gnomAD v4.1: 7 of 1,614,140 alleles (0.00043%); highest among the groups gnomAD compares: East Asian, 0.016%; no homozygotes.

Submission:

Labcorp Genetics (formerly Invitae), Labcorp
Classification: Uncertain significance for Early Myoclonic Encephalopathy. Last evaluated: 2023-12-06. Review status: criteria provided, single submitter. Criteria: Invitae Variant Classification Sherloc (09022015). Collection method: clinical testing. Allele origin: germline.
Comment: This sequence change replaces arginine, which is basic and polar, with glycine, which is neutral and non-polar, at codon 746 of the JMJD1C protein (p.Arg746Gly). This variant is not present in population databases (gnomAD no frequency). This variant has not been reported in the literature in individuals affected with JMJD1C-related conditions. ClinVar contains an entry for this variant (Variation ID: 835711). Advanced modeling of protein sequence and biophysical properties (such as structural, functional, and spatial information, amino acid conservation, physicochemical variation, residue mobility, and thermodynamic stability) performed at Invitae indicates that this missense variant is not expected to disrupt JMJD1C protein function with a negative predictive value of 80%. In summary, the available evidence is currently insufficient to determine the role of this variant in disease. Therefore, it has been classified as a Variant of Uncertain Significance.